The following is an entry in ClinVar:

NM_003738.5(PTCH2):c.3210G>C (p.Leu1070Phe)

Gene: PTCH2 (patched 2; minus strand). Cytogenetic location: 1p34.1.
Variant type: single nucleotide variant.
Coding change: c.3210G>C on transcript NM_003738.5 (MANE Select); coding-DNA position 3210, G replaced by C.
Protein change: p.Leu1070Phe; replaces leucine 1070 with phenylalanine.
Molecular consequence: missense variant.
Genome position (GRCh38, 1-based): chr1:44,823,290, C>G on the plus strand (G>C on the coding strand, the complement: PTCH2 is on the minus strand). VCF-style: chr1-44823290-C-G. GRCh37 (hg19) VCF-style: chr1-45288962-C-G.
Other names: c.3210G>C, p.Leu1070Phe (NM_001166292.2); short protein forms L1070F.
Identifiers: ClinVar variation 946863 (VCV000946863.20), dbSNP rs138220875, ClinGen allele CA822767.

ClinVar aggregate classification (germline): Uncertain significance. Review status: criteria provided, multiple submitters, no conflicts (2 of 4 stars). 6 submissions from 6 submitters: Uncertain significance (6). Last evaluated 2026-10-01.

Conditions:
Medulloblastoma (MDB). Also called: Medulloblastoma, somatic; MEDULLOBLASTOMA PREDISPOSITION SYNDROME. Identifiers: Orphanet 616, MedGen C0025149, MeSH D008527, MONDO:0007959, OMIM 155255, HP:0002885.
Basal cell carcinoma, susceptibility to, 1. Also called: BCC1. Identifiers: MedGen C2751544, MONDO:0011556, OMIM 605462.
PTCH2-related disorder. Also called: PTCH2-related disease; PTCH2-related condition.
Basal cell nevus syndrome 1 (BCNS1). Also called: GORLIN-GOLTZ SYNDROME; MULTIPLE BASAL CELL NEVI, ODONTOGENIC KERATOCYSTS, AND SKELETAL ANOMALIES. Identifiers: MedGen CN376810, MONDO:0958174, OMIM 109400.
Gorlin syndrome. Also called: Basal cell nevus syndrome; Nevoid Basal Cell Carcinoma Syndrome. Identifiers: Orphanet 377, MedGen C0004779, MONDO:0007187.

Allele frequency attached by ClinVar (database versions not stated): gnomAD 0.00004 and 0.00005; TOPMed 0.00007; ESP Exome Variant Server 0.00008; ExAC 0.00009; gnomAD exomes 0.00009; 1000 Genomes Project 30x 0.00016; 1000 Genomes Project 0.00020.
gnomAD v4.1: 154 of 1,614,222 alleles (0.0095%); highest among the groups gnomAD compares: Non-Finnish European, 0.013%; no homozygotes.

Submissions (6):

St. Jude Molecular Pathology, St. Jude Children's Research Hospital
Classification: Uncertain significance for Basal cell nevus syndrome 1. Last evaluated: 2026-10-01. Review status: criteria provided, single submitter. Criteria: St. Jude Assertion Criteria 2020. Collection method: clinical testing. Allele origin: germline.
Comment: The PTCH2 c.3210G>C p.(Leu1070Phe) missense change has a maximum subpopulation frequency of 0.02% in gnomAD v2.1.1. The in silico tool REVE L is inconclusive about a pathogenic or benign effect of this variant on protein function, and to our knowledge functional studies have not been performed. To our knowledge, this variant has not been reported in individuals with nevoid basal cell carcino ma syndrome. In summary, the evidence currently available is insufficient to determine the clinical significance of this variant. It has therefore been classified as of uncertain significance.

Ambry Genetics
Classification: Uncertain significance. Last evaluated: 2025-12-02. Review status: criteria provided, single submitter. Criteria: Ambry Variant Classification Scheme 2023. Collection method: clinical testing. Allele origin: germline.

Labcorp Genetics (formerly Invitae), Labcorp
Classification: Uncertain significance for Gorlin syndrome. Last evaluated: 2025-09-03. Review status: criteria provided, single submitter. Criteria: Invitae Variant Classification Sherloc (09022015). Collection method: clinical testing. Allele origin: germline.
Comment: This sequence change replaces leucine, which is neutral and non-polar, with phenylalanine, which is neutral and non-polar, at codon 1070 of the PTCH2 protein (p.Leu1070Phe). This variant is present in population databases (rs138220875, gnomAD 0.02%). This variant has not been reported in the literature in individuals affected with PTCH2-related conditions. ClinVar contains an entry for this variant (Variation ID: 946863). Invitae Evidence Modeling of protein sequence and biophysical properties (such as structural, functional, and spatial information, amino acid conservation, physicochemical variation, residue mobility, and thermodynamic stability) indicates that this missense variant is not expected to disrupt PTCH2 protein function with a negative predictive value of 80%. In summary, the available evidence is currently insufficient to determine the role of this variant in disease. Therefore, it has been classified as a Variant of Uncertain Significance.

Center for Genomic Medicine, Rigshospitalet, Copenhagen University Hospital
Classification: Uncertain significance. Last evaluated: 2025-03-04. Review status: criteria provided, single submitter. Criteria: ACMG Guidelines, 2015. Collection method: clinical testing. Allele origin: germline.

PreventionGenetics, part of Exact Sciences
Classification: Uncertain significance for PTCH2-related condition. Last evaluated: 2025-02-10. Review status: criteria provided, single submitter. Criteria: ACMG Guidelines, 2015. Collection method: clinical testing. Allele origin: germline.
Comment: The PTCH2 c.3210G>C variant is predicted to result in the amino acid substitution p.Leu1070Phe. To our knowledge, this variant has not been reported in the literature. This variant is reported in 0.019% of alleles in individuals of European (Non-Finnish) descent in gnomAD and is reported as a variant of uncertain significance in ClinVar. At this time, the clinical significance of this variant is uncertain due to the absence of conclusive functional and genetic evidence.

Fulgent Genetics
Classification: Uncertain significance for Medulloblastoma; Basal cell carcinoma, susceptibility to, 1. Last evaluated: 2024-02-02. Review status: criteria provided, single submitter. Criteria: ACMG Guidelines, 2015. Collection method: clinical testing. Allele origin: germline.